The following is an entry in ClinVar:

NM_000286.3(PEX12):c.1021A>T (p.Ile341Phe)

Gene: PEX12 (peroxisomal biogenesis factor 12; minus strand). Cytogenetic location: 17q12.
Variant type: single nucleotide variant.
Coding change: c.1021A>T on transcript NM_000286.3 (MANE Select); coding-DNA position 1021, A replaced by T.
Protein change: p.Ile341Phe; replaces isoleucine 341 with phenylalanine.
Molecular consequence: missense variant.
Genome position (GRCh38, 1-based): chr17:35,575,841, T>A on the plus strand (A>T on the coding strand, the complement: PEX12 is on the minus strand). VCF-style: chr17-35575841-T-A. GRCh37 (hg19) VCF-style: chr17-33902860-T-A.
Other names: c.1021A>T (NM_000286.2); short protein forms I341F.
Identifiers: ClinVar variation 1041347 (VCV001041347.7), dbSNP rs772028045, ClinGen allele CA8504803.

ClinVar aggregate classification (germline): Uncertain significance. Review status: criteria provided, multiple submitters, no conflicts (2 of 4 stars). 2 submissions from 2 submitters: Uncertain significance (2). Last evaluated 2025-06-07.

Conditions:
Inborn genetic diseases. Identifiers: MedGen C0950123, MeSH D030342.
Peroxisome biogenesis disorder 3A (Zellweger). Also called: PEROXISOMAL BIOGENESIS DISORDER 3A (ZELLWEGER); Peroxisome biogenesis disorder 3A. Identifiers: Orphanet 912, MedGen C3553929, MONDO:0013927, OMIM 614859.

Allele frequency attached by ClinVar (database versions not stated): TOPMed below 0.00001; gnomAD 0.00001.

Submissions (2):

Ambry Genetics
Classification: Uncertain significance for Inborn genetic diseases. Last evaluated: 2025-06-07. Review status: criteria provided, single submitter. Criteria: Ambry Variant Classification Scheme 2023. Collection method: clinical testing. Allele origin: germline.

Labcorp Genetics (formerly Invitae), Labcorp
Classification: Uncertain significance for Peroxisome biogenesis disorder 3A (Zellweger). Last evaluated: 2022-04-04. Review status: criteria provided, single submitter. Criteria: Invitae Variant Classification Sherloc (09022015). Collection method: clinical testing. Allele origin: germline.
Comment: This sequence change replaces isoleucine, which is neutral and non-polar, with phenylalanine, which is neutral and non-polar, at codon 341 of the PEX12 protein (p.Ile341Phe). This variant is present in population databases (rs772028045, gnomAD 0.01%). This variant has not been reported in the literature in individuals affected with PEX12-related conditions. ClinVar contains an entry for this variant (Variation ID: 1041347). Algorithms developed to predict the effect of missense changes on protein structure and function are either unavailable or do not agree on the potential impact of this missense change (SIFT: "Deleterious"; PolyPhen-2: "Possibly Damaging"; Align-GVGD: "Class C0"). In summary, the available evidence is currently insufficient to determine the role of this variant in disease. Therefore, it has been classified as a Variant of Uncertain Significance.